The following is an entry in ClinVar:

NM_007272.3(CTRC):c.485G>T (p.Arg162Leu)

Gene: CTRC (chymotrypsin C; plus strand). Cytogenetic location: 1p36.21.
Variant type: single nucleotide variant.
Coding change: c.485G>T on transcript NM_007272.3 (MANE Select); coding-DNA position 485, G replaced by T.
Protein change: p.Arg162Leu; replaces arginine 162 with leucine.
Molecular consequence: missense variant.
Genome position (GRCh38, 1-based): chr1:15,443,547, G>T. VCF-style: chr1-15443547-G-T. GRCh37 (hg19) VCF-style: chr1-15770042-G-T.
Other names: short protein forms R162L.
Identifiers: ClinVar variation 3270180 (VCV003270180.1).
Genomic context (GRCh38, chr1:15,443,547, plus strand): 5'-TGCCAGAGAAGGACTCCCTGCTCCCCAAGGACTACCCCTGCTATGTCACCGGCTGGGGCC[G>T]CCTCTGGAGTGAGTATCGTCCCTGGCAAATCCTGAGAGCCTTCCTGAAGGAAGCAGGACG-3'
Protein context (NP_009203.2, residues 152-172): DYPCYVTGWG[Arg162Leu]LWTNGPIADK

ClinVar aggregate classification (germline): Uncertain significance (1 of 4 stars; one submission).

Conditions:
Hereditary pancreatitis (PCTT). Also called: Hereditary chronic pancreatitis; PRSS1-Related Hereditary Pancreatitis. Identifiers: Orphanet 676, MedGen C0238339, MONDO:0008185, OMIM 167800.

gnomAD v4.1: 1 of 1,614,106 alleles (0.000062%); highest among the groups gnomAD compares: Non-Finnish European, 0.000085%; no homozygotes.

Submission:

Ambry Genetics
Classification: Uncertain significance for Hereditary pancreatitis. Last evaluated: 2024-03-28. Review status: criteria provided, single submitter. Criteria: Ambry Variant Classification Scheme 2023. Collection method: clinical testing. Allele origin: germline.
Comment: The p.R162L variant (also known as c.485G>T), located in coding exon 5 of the CTRC gene, results from a G to T substitution at nucleotide position 485. The arginine at codon 162 is replaced by leucine, an amino acid with dissimilar properties. This amino acid position is conserved. In addition, this alteration is predicted to be tolerated by in silico analysis. Based on the available evidence, the clinical significance of this alteration remains unclear.